The following is an entry in ClinVar:

NM_020207.7(ERCC6L2):c.578C>A (p.Ser193Tyr)

Gene: ERCC6L2 (ERCC excision repair 6 like 2; plus strand). Cytogenetic location: 9q22.32.
Variant type: single nucleotide variant.
Coding change: c.578C>A on transcript NM_020207.7 (MANE Select); coding-DNA position 578, C replaced by A.
Protein change: p.Ser193Tyr; replaces serine 193 with tyrosine.
Molecular consequence: missense variant. On other transcripts: non-coding transcript variant (1).
Genome position (GRCh38, 1-based): chr9:95,897,955, C>A. VCF-style: chr9-95897955-C-A. GRCh37 (hg19) VCF-style: chr9-98660237-C-A.
Other names: c.578C>A, p.Ser193Tyr (NM_001010895.4, NM_001375291.1, NM_001375292.1 and 2 more transcripts); short protein forms S193Y.
Identifiers: ClinVar variation 4827679 (VCV004827679.1).

ClinVar aggregate classification (germline): Uncertain significance (1 of 4 stars; one submission).

Conditions:
Inborn genetic diseases. Identifiers: MedGen C0950123, MeSH D030342.

gnomAD v4.1: 3 of 1,608,676 alleles (0.00019%); highest among the groups gnomAD compares: South Asian, 0.0022%; no homozygotes.

Submission:

Ambry Genetics
Classification: Uncertain significance for Inborn genetic diseases. Last evaluated: 2026-02-24. Review status: criteria provided, single submitter. Criteria: Ambry Variant Classification Scheme 2023. Collection method: clinical testing. Allele origin: germline.
Comment: The p.S193Y variant (also known as c.578C>A), located in coding exon 3 of the ERCC6L2 gene, results from a C to A substitution at nucleotide position 578. The serine at codon 193 is replaced by tyrosine, an amino acid with dissimilar properties. This amino acid position is conserved. In addition, this alteration is predicted to be tolerated by in silico analysis. Based on the available evidence, the clinical significance of this variant remains unclear.